The following is an entry in ClinVar:

ClinVar aggregate classification (germline): Uncertain significance (1 of 4 stars; one submission).

Submission:

GeneDx
Classification: Uncertain significance. Last evaluated: 2014-09-30. Review status: criteria provided, single submitter. Criteria: GeneDx Variant Classification (06012015). Collection method: clinical testing. Allele origin: germline. Affected: yes.
Comment: p.Glu409Gln (GAG>CAG): c.1225 G>C in exon 6 of the SNTA1 gene (NM_003098.2) A variant of unknown significance has been identified in the SNTA1 gene. The E409Q variant has not been published as a mutation, nor has it been reported as a benign polymorphism to our knowledge. The E409Q variant was not observed in approximately 6,500 individuals of European and African American ancestry in the NHLBI Exome Sequencing Project, indicating it is not a common benign variant in these populations. The E409Q variant is a semi-conservative amino acid substitution, which may impact secondary protein structure as these residues differ in some properties. Additionally, this substitution occurs at a position that is conserved across species and in silico analysis predicts this variant is probably damaging to the protein structure/function. However, missense mutations in nearby residues have not been reported indicating this region of the protein may be tolerant of change. Therefore, based on the currently available information, it is unclear whether this variant is a pathogenic mutation or a rare benign variant. This result cannot be interpreted for diagnosis or used for family member screening at this time. The variant is found in ARRHYTHMIA panel(s).

NM_003098.3(SNTA1):c.1225G>C (p.Glu409Gln)

Gene: SNTA1 (syntrophin alpha 1; minus strand). Cytogenetic location: 20q11.21.
Variant type: single nucleotide variant.
Coding change: c.1225G>C on transcript NM_003098.3 (MANE Select); coding-DNA position 1225, G replaced by C.
Protein change: p.Glu409Gln; replaces glutamic acid 409 with glutamine.
Molecular consequence: missense variant.
Genome position (GRCh38, 1-based): chr20:33,410,147, C>G on the plus strand (G>C on the coding strand, the complement: SNTA1 is on the minus strand). VCF-style: chr20-33410147-C-G. GRCh37 (hg19) VCF-style: chr20-31997953-C-G.
Other names: p.E409Q:GAG>CAG; short protein forms E409Q.
Identifiers: ClinVar variation 190937 (VCV000190937.2), dbSNP rs786205850, ClinGen allele CA302336.
Genomic context (GRCh38, chr20:33,410,147, plus strand): 5'-ATAAGAGGCTTATTACCAGAGGGACACTCCCAGATCCTCCCAGCACACCTGTAGACACCT[C>G]CTGCACACCCTCGGCGGCCCGGTGACAGCCATCCACAAGCTGGCGGGTCCAGGCAGCCAG-3'
Protein context (NP_003089.1, residues 399-419): GCHRAAEGVQ[Glu409Gln]VSTACTWNGR